The following is an entry in ClinVar:

GRCh37/hg19 9q21.11-21.31(chr9:72100051-83444640)x1

Genes: CEMIP2 (cell migration inducing hyaluronidase 2; minus strand), CEP78 (centrosomal protein 78; plus strand), CFAP95 (cilia and flagella associated protein 95; plus strand), FOXB2 (forkhead box B2; plus strand), GCNT1 (glucosaminyl (N-acetyl) transferase 1; plus strand) and 31 more. Cytogenetic location: 9q21.11-21.31.
Variant type: copy number loss.
Change: copy number 1 (one copy instead of two) of chr9:72,100,051-83,444,640 (11.34 Mb, GRCh37 coordinates, 1-based), cytogenetic band 9q21.11-21.31.
Identifiers: ClinVar variation 3391905 (VCV003391905.1).

ClinVar aggregate classification (germline): Pathogenic (1 of 4 stars; one submission).

Submission:

Quest Diagnostics Nichols Institute San Juan Capistrano
Classification: Pathogenic. Last evaluated: 2023-12-01. Review status: criteria provided, single submitter. Criteria: ACMG/ClinGen CNV Guidelines, 2019. Collection method: clinical testing. Allele origin: unknown.
Comment: This loss overlaps the 9q21.13 microdeletion syndromic region (De Falco 2023). Individuals with microdeletions contained within the current interval have been observed in patients with various phenotypes (Boudry-Labis 2013, De Falco 2023). There are no similar copy number losses of this region in the general populations of the Database of Genomic Variants. Thus, based on gene count and current medical literature, this copy number variant (CNV) is classified as pathogenic. References: Boudry-Labis et al., Eur J Med Genet. 2013 Mar;56(3):163-70. PMID: 23279911; De Falco et al., Genes (Basel). 2023 May 21;14(5):1116. PMID: 37239476